The following is an entry in ClinVar:

NM_004539.4(NARS1):c.1606G>A (p.Val536Met)

Gene: NARS1 (asparaginyl-tRNA synthetase 1; minus strand). Cytogenetic location: 18q21.31.
Variant type: single nucleotide variant.
Coding change: c.1606G>A on transcript NM_004539.4 (MANE Select); coding-DNA position 1606, G replaced by A.
Protein change: p.Val536Met; replaces valine 536 with methionine.
Molecular consequence: missense variant.
Genome position (GRCh38, 1-based): chr18:57,601,693, C>T on the plus strand (G>A on the coding strand, the complement: NARS1 is on the minus strand). VCF-style: chr18-57601693-C-T. GRCh37 (hg19) VCF-style: chr18-55268925-C-T.
Other names: short protein forms V536M.
Identifiers: ClinVar variation 3175643 (VCV003175643.1), dbSNP rs561655348, ClinGen allele CA8973367.

ClinVar aggregate classification (germline): Uncertain significance (1 of 4 stars; one submission).

Allele frequency attached by ClinVar (database versions not stated): gnomAD 0.00002; TOPMed 0.00002; ExAC 0.00003; gnomAD exomes 0.00003; 1000 Genomes Project 30x 0.00016; 1000 Genomes Project 0.00020.
gnomAD v4.1: 42 of 1,613,848 alleles (0.0026%); highest among the groups gnomAD compares: Admixed American, 0.005%; no homozygotes.

Submission:

Ambry Genetics
Classification: Uncertain significance. Last evaluated: 2021-04-09. Review status: criteria provided, single submitter. Criteria: Ambry Variant Classification Scheme 2023. Collection method: clinical testing. Allele origin: germline.
Comment: The c.1606G>A (p.V536M) alteration is located in coding exon 14 of the NARS1 gene. This alteration results from a G to A substitution at nucleotide position 1606, causing the valine (V) at amino acid position 536 to be replaced by a methionine (M). Based on data from the Genome Aggregation Database (gnomAD) database, the NARS1 c.1606G>A alteration was observed in 0.002% (6/281854) of total alleles studied. The p.V536 amino acid is conserved in available vertebrate species. The p.V536M alteration is predicted to be deleterious by in silico analysis. Based on insufficient or conflicting evidence, the clinical significance of this alteration remains unclear.